The following is an entry in ClinVar:

ClinVar aggregate classification (germline): Uncertain significance (1 of 4 stars; one submission).

Allele frequency attached by ClinVar (database versions not stated): TOPMed below 0.00001; gnomAD exomes 0.00001.
gnomAD v4.1: 14 of 1,522,358 alleles (0.00092%); highest among the groups gnomAD compares: Non-Finnish European, 0.0012%; no homozygotes.

Submission:

Labcorp Genetics (formerly Invitae), Labcorp
Classification: Uncertain significance. Last evaluated: 2022-03-08. Review status: criteria provided, single submitter. Criteria: Invitae Variant Classification Sherloc (09022015). Collection method: clinical testing. Allele origin: germline.
Comment: This variant is present in population databases (no rsID available, gnomAD 0.004%). In summary, the available evidence is currently insufficient to determine the role of this variant in disease. Therefore, it has been classified as a Variant of Uncertain Significance. Algorithms developed to predict the effect of missense changes on protein structure and function are either unavailable or do not agree on the potential impact of this missense change (SIFT: "Not Available"; PolyPhen-2: "Probably Damaging"; Align-GVGD: "Not Available"). This variant has not been reported in the literature in individuals affected with UNC80-related conditions. This sequence change replaces leucine, which is neutral and non-polar, with phenylalanine, which is neutral and non-polar, at codon 1998 of the UNC80 protein (p.Leu1998Phe).

NM_001371986.1(UNC80):c.6192G>T (p.Leu2064Phe)

Gene: UNC80 (unc-80 subunit of NALCN channel complex; plus strand). Cytogenetic location: 2q34.
Variant type: single nucleotide variant.
Coding change: c.6192G>T on transcript NM_001371986.1 (MANE Select); coding-DNA position 6192, G replaced by T.
Protein change: p.Leu2064Phe; replaces leucine 2064 with phenylalanine.
Molecular consequence: missense variant.
Genome position (GRCh38, 1-based): chr2:209,935,727, G>T. VCF-style: chr2-209935727-G-T. GRCh37 (hg19) VCF-style: chr2-210800451-G-T.
Other names: c.5994G>T, p.Leu1998Phe (NM_032504.2); c.5979G>T, p.Leu1993Phe (NM_182587.4); short protein forms L1998F, L1993F, L2064F.
Identifiers: ClinVar variation 2104159 (VCV002104159.4), dbSNP rs1329259665, ClinGen allele CA350769865.